The following is an entry in ClinVar:

ClinVar aggregate classification (germline): Uncertain significance (1 of 4 stars; one submission).

Allele frequency attached by ClinVar (database versions not stated): gnomAD 0.00001; gnomAD exomes 0.00002; ExAC 0.00003.
gnomAD v4.1: 26 of 1,609,302 alleles (0.0016%); highest among the groups gnomAD compares: South Asian, 0.0078%; no homozygotes.

Submission:

Labcorp Genetics (formerly Invitae), Labcorp
Classification: Uncertain significance. Last evaluated: 2022-02-10. Review status: criteria provided, single submitter. Criteria: Invitae Variant Classification Sherloc (09022015). Collection method: clinical testing. Allele origin: germline.
Comment: This sequence change replaces alanine with threonine at codon 1168 of the CEP250 protein (p.Ala1168Thr). The alanine residue is weakly conserved and there is a small physicochemical difference between alanine and threonine. The frequency data for this variant in the population databases is considered unreliable, as metrics indicate poor data quality at this position in the gnomAD database. This variant has not been reported in the literature in individuals affected with CEP250-related conditions. Algorithms developed to predict the effect of missense changes on protein structure and function output the following: SIFT: "Not Available"; PolyPhen-2: "Benign"; Align-GVGD: "Not Available". The threonine amino acid residue is found in multiple mammalian species, which suggests that this missense change does not adversely affect protein function. In summary, the available evidence is currently insufficient to determine the role of this variant in disease. Therefore, it has been classified as a Variant of Uncertain Significance.

NM_007186.6(CEP250):c.3502G>A (p.Ala1168Thr)

Gene: CEP250 (centrosomal protein 250; plus strand). Cytogenetic location: 20q11.22.
Variant type: single nucleotide variant.
Coding change: c.3502G>A on transcript NM_007186.6 (MANE Select); coding-DNA position 3502, G replaced by A.
Protein change: p.Ala1168Thr; replaces alanine 1168 with threonine.
Molecular consequence: missense variant.
Genome position (GRCh38, 1-based): chr20:35,497,914, G>A. VCF-style: chr20-35497914-G-A. GRCh37 (hg19) VCF-style: chr20-34085743-G-A.
Other names: c.1606G>A, p.Ala536Thr (NM_001318219.1); short protein forms A1168T, A536T.
Identifiers: ClinVar variation 1499650 (VCV001499650.4), dbSNP rs781608093, ClinGen allele CA9833484.
Genomic context (GRCh38, chr20:35,497,914, plus strand): 5'-AAGGCAGCCCAACTACAGCTGCGACTGCGCAGCACAGAGAGCCAGCTAGAAGCGCTGGCC[G>A]CAGAGCAGCAGCCCGGGAACCAGGCCCAGGCCCAGGCCCAGCTGGCCAGCCTCTACTCTG-3'
Protein context (NP_009117.2, residues 1158-1178): STESQLEALA[Ala1168Thr]EQQPGNQAQA